The following continues an entry in ClinVar:

NM_007098.4(CLTCL1):c.3068A>T (p.Asn1023Ile)

Gene: CLTCL1. ClinVar aggregate classification (germline): Benign. Benign (1).

Submissions 33 to 43 of 43:

Dr. Peter K. Rogan Lab, Western University
No classification provided (evidence only). Condition: Ovarian serous cystadenocarcinoma. Review status: no classification provided. Collection method: in vitro. Allele origin: not applicable. Functional consequence: retained intron. Not counted in ClinVar's aggregate classification.

Dr. Peter K. Rogan Lab, Western University
No classification provided (evidence only). Condition: Ovarian serous cystadenocarcinoma. Review status: no classification provided. Collection method: in vitro. Allele origin: not applicable. Functional consequence: retained intron. Not counted in ClinVar's aggregate classification.

Dr. Peter K. Rogan Lab, Western University
No classification provided (evidence only). Condition: Ovarian serous cystadenocarcinoma. Review status: no classification provided. Collection method: in vitro. Allele origin: not applicable. Functional consequence: retained intron. Not counted in ClinVar's aggregate classification.

Dr. Peter K. Rogan Lab, Western University
No classification provided (evidence only). Condition: Gastric cancer. Review status: no classification provided. Collection method: in vitro. Allele origin: not applicable. Functional consequence: retained intron. Not counted in ClinVar's aggregate classification.

Dr. Peter K. Rogan Lab, Western University
No classification provided (evidence only). Condition: Gastric cancer. Review status: no classification provided. Collection method: in vitro. Allele origin: not applicable. Functional consequence: retained intron. Not counted in ClinVar's aggregate classification.

Dr. Peter K. Rogan Lab, Western University
No classification provided (evidence only). Condition: Gastric cancer. Review status: no classification provided. Collection method: in vitro. Allele origin: not applicable. Functional consequence: retained intron. Not counted in ClinVar's aggregate classification.

Dr. Peter K. Rogan Lab, Western University
No classification provided (evidence only). Condition: Gastric cancer. Review status: no classification provided. Collection method: in vitro. Allele origin: not applicable. Functional consequence: retained intron. Not counted in ClinVar's aggregate classification.

Dr. Peter K. Rogan Lab, Western University
No classification provided (evidence only). Condition: Gastric cancer. Review status: no classification provided. Collection method: in vitro. Allele origin: not applicable. Functional consequence: retained intron. Not counted in ClinVar's aggregate classification.

Dr. Peter K. Rogan Lab, Western University
No classification provided (evidence only). Condition: Adrenocortical carcinoma, hereditary. Review status: no classification provided. Collection method: in vitro. Allele origin: not applicable. Functional consequence: retained intron. Not counted in ClinVar's aggregate classification.

Dr. Peter K. Rogan Lab, Western University
No classification provided (evidence only). Condition: Malignant tumor of esophagus. Review status: no classification provided. Collection method: in vitro. Allele origin: not applicable. Functional consequence: retained intron. Not counted in ClinVar's aggregate classification.

Dr. Peter K. Rogan Lab, Western University
No classification provided (evidence only). Condition: Malignant tumor of esophagus. Review status: no classification provided. Collection method: in vitro. Allele origin: not applicable. Functional consequence: retained intron. Not counted in ClinVar's aggregate classification.

Literature cited by the submitters: PubMed 22511880 (cited by Mayo Clinic Laboratories, Mayo Clinic).